The following is an entry in ClinVar:

NM_139343.3(BIN1):c.84+1G>A

Gene: BIN1 (bridging integrator 1; minus strand). Cytogenetic location: 2q14.3.
Variant type: single nucleotide variant.
Coding change: c.84+1G>A on transcript NM_139343.3 (MANE Select); the canonical splice donor site of the intron after coding-DNA position 84, G replaced by A.
Molecular consequence: splice donor variant.
Genome position (GRCh38, 1-based): chr2:127,106,859, C>T on the plus strand (G>A on the coding strand, the complement: BIN1 is on the minus strand). VCF-style: chr2-127106859-C-T. GRCh37 (hg19) VCF-style: chr2-127864435-C-T.
Other names: c.84+1G>A (NM_139351.3, NM_139350.3, NM_139349.3 and 10 more transcripts).
Identifiers: ClinVar variation 1063780 (VCV001063780.7), dbSNP rs1364583460, ClinGen allele CA348376030.

ClinVar aggregate classification (germline): Uncertain significance (1 of 4 stars; one submission).

Conditions:
Myopathy, centronuclear, 2 (CNM2). Also called: MYOTUBULAR MYOPATHY, AUTOSOMAL RECESSIVE. Identifiers: Orphanet 169186, MedGen CN031787, MONDO:0009709, OMIM 255200.

Allele frequency attached by ClinVar (database versions not stated): gnomAD 0.00001; TOPMed below 0.00001.
gnomAD v4.1: 2 of 1,605,966 alleles (0.00012%); highest among the groups gnomAD compares: African/African-American, 0.0013%; no homozygotes.

Submission:

Labcorp Genetics (formerly Invitae), Labcorp
Classification: Uncertain significance for Myopathy, centronuclear, 2. Last evaluated: 2020-03-24. Review status: criteria provided, single submitter. Criteria: Invitae Variant Classification Sherloc (09022015). Collection method: clinical testing. Allele origin: germline.
Comment: In summary, the available evidence is currently insufficient to determine the role of this variant in disease. Therefore, it has been classified as a Variant of Uncertain Significance. The current clinical and genetic evidence is not sufficient to establish whether loss-of-function variants in BIN1 cause disease. Algorithms developed to predict the effect of sequence changes on RNA splicing suggest that this variant may disrupt the consensus splice site, but this prediction has not been confirmed by published transcriptional studies. This variant has not been reported in the literature in individuals with BIN1-related conditions. This variant is not present in population databases (ExAC no frequency). This sequence change affects a donor splice site in intron 1 of the BIN1 gene. It is expected to disrupt RNA splicing and likely results in an absent or disrupted protein product.